The following is an entry in ClinVar:

ClinVar aggregate classification (germline): Conflicting classifications of pathogenicity. Review status: criteria provided, conflicting classifications (1 of 4 stars). 4 submissions from 4 submitters: Uncertain significance (3); Likely benign (1). Last evaluated 2024-04-12.

Conditions:
Hereditary cancer-predisposing syndrome. Also called: Hereditary Cancer Syndrome; Neoplastic Syndromes, Hereditary; Hereditary neoplastic syndrome; Tumor predisposition. Identifiers: Orphanet 140162, MedGen C0027672, MeSH D009386, MONDO:0015356.
Hereditary breast ovarian cancer syndrome. Also called: Hereditary breast and ovarian cancer syndrome (HBOC); Breast and ovarian cancer; Hereditary breast and ovarian cancer syndrome; Hereditary breast and ovarian cancer; BRCA1- and BRCA2-Associated Hereditary Breast and Ovarian Cancer; Hereditary breast and/or ovarian cancer syndrome. Identifiers: Orphanet 145, MedGen C0677776, MeSH D061325, MONDO:0003582. Disease mechanism: loss of function.
Breast-ovarian cancer, familial, susceptibility to, 1 (BROVCA1). Also called: BRCA1 Hereditary Breast and Ovarian Cancer; OVARIAN CANCER, SUSCEPTIBILITY TO. Identifiers: Orphanet 145, MedGen C2676676, MONDO:0011450, OMIM 604370. Disease mechanism: loss of function.

Allele frequency attached by ClinVar (database versions not stated): gnomAD 0.00001.
gnomAD v4.1: 1 of 1,604,380 alleles (0.000062%); highest among the groups gnomAD compares: East Asian, 0.0022%; no homozygotes.

Submissions (5):

Lupski Lab, Baylor-Hopkins CMG, Baylor College of Medicine
Classification: Likely benign for Breast-ovarian cancer, familial, susceptibility to, 1. Last evaluated: 2024-04-12. Review status: criteria provided, single submitter. Criteria: Dawood et al. (medRxiv. 2024). Collection method: curation. Allele origin: germline.
Comment: Each variant was annotated with functional scores from MAVE data which was translated into functional evidence codes. All other evidence codes and combining criteria were adhered to as closely as possible based on the ClinGen VCEP (Variant Curation Expert Panel) gene-specific recommendations. See Supplemental Figure 34 of final paper (Supp Fig. 28 in preprint: doi:10.1101/2024.04.11.24305690) for a table to see which lines of evidence we did not have data for. The ClinGen VCEPs are highly regarded as the gold-standard for gene-specific variant curation and are developed after extensive evaluation of the evidence by clinical and scientific experts for the particular gene to classify genomic variants on a spectrum from pathogenic to benign using the 2015 ACMG/AMP Variant Interpretation Guidelines as a backbone (PMID: 25741868). Reclassification of these VUS variants from gnomAD or All of Us focused only on variants originally prescribed as VUS in ClinVar. To ensure reproducibility, transparency, and increased throughput, all the procedures for annotating variants and assigning evidence codes were codified using Python. All code has been made freely available and is linked in the Code Availability section and all reclassified variants with evidence codes used can be found in Tables S18-19 (preprint: doi:10.1101/2024.04.11.24305690). For the MAVE data, the clinical curation and clinical strength assignment as per the ClinGen recommendations in Brnich et al. (2020) (PMID: 31892348) for or against pathogenicity or benignity of each of these MAVE datasets utilized in this study were previously published in Fayer et al. (2021) (PMID: 34793697).In brief, for BRCA1 variants, if a variant was categorized as FUNC (functional), it was assigned BS3 evidence and no PS3 evidence, whereas if it was categorized as LOF (loss of function), the variant was assigned PS3 evidence and no BS3 evidence. Variants categorized as INT (intermediate) were left unannotated. For the BRCA1 combining criteria, greater than or equal to 1 criteria of strong benign evidence was enough to reclassify the VUS as Likely Benign. This variant GRCh37:17:41258516:C>G was assigned evidence codes ['BS3'] and an overall classification of Likely Benign

Labcorp Genetics (formerly Invitae), Labcorp
Classification: Uncertain significance for Hereditary breast ovarian cancer syndrome. Last evaluated: 2024-03-20. Review status: criteria provided, single submitter. Criteria: Invitae Variant Classification Sherloc (09022015). Collection method: clinical testing. Allele origin: germline.
Comment: This sequence change replaces glycine, which is neutral and non-polar, with arginine, which is basic and polar, at codon 57 of the BRCA1 protein (p.Gly57Arg). This variant is present in population databases (no rsID available, gnomAD 0.06%). This missense change has been observed in individual(s) with personal and/or family history of breast cancer (PMID: 19619314, 34981296). ClinVar contains an entry for this variant (Variation ID: 252391). Advanced modeling performed at Invitae incorporating data from internal and/or published experimental studies (PMID: 30209399) indicates that this missense variant is not expected to disrupt BRCA1 function with a negative predictive value of 95%. Experimental studies have shown that this missense change does not substantially affect BRCA1 function (PMID: 30209399). In summary, the available evidence is currently insufficient to determine the role of this variant in disease. Therefore, it has been classified as a Variant of Uncertain Significance.

Ambry Genetics
Classification: Uncertain significance for Hereditary cancer-predisposing syndrome. Last evaluated: 2017-01-19. Review status: criteria provided, single submitter. Criteria: Ambry Variant Classification Scheme 2023. Collection method: clinical testing. Allele origin: germline.
Comment: The p.G57R variant (also known as c.169G>C), located in coding exon 3 of the BRCA1 gene, results from a G to C substitution at nucleotide position 169. The glycine at codon 57 is replaced by arginine, an amino acid with dissimilar properties. This alteration was found to prevent the interaction between the BRCA1 protein and the E2 ubiquitin conjugating enzyme UbcH5a (Morris JR et al. Hum. Mol. Genet., 2006 Feb;15:599-606). This amino acid position is well conserved in available vertebrate species. In addition, the in silico prediction for this alteration is inconclusive. Since supporting evidence is limited at this time, the clinical significance of this alteration remains unclear.

Quest Diagnostics Nichols Institute San Juan Capistrano
Classification: Uncertain significance for Breast-ovarian cancer, familial, susceptibility to, 1. Last evaluated: 2016-03-10. Review status: criteria provided, single submitter. Criteria: Quest Diagnostics criteria. Collection method: clinical testing. Allele origin: germline. Inheritance: Autosomal dominant inheritance.

Brotman Baty Institute, University of Washington
No classification provided (evidence only). Condition: Breast-ovarian cancer, familial 1. Review status: no classification provided. Collection method: in vitro. Allele origin: not applicable. Functional consequence: functionally_normal. Not counted in ClinVar's aggregate classification.
ClinVar note: "not provided" was previously submitted as the classification for the variant. However, the classification appeared to be based only on an observation of functional data so it was converted to no classification on 2025-07-30.

Literature cited by the submitters: PubMed 39142283 (cited by Lupski Lab, Baylor-Hopkins CMG, Baylor College of Medicine); PubMed 34793697 (cited by Lupski Lab, Baylor-Hopkins CMG, Baylor College of Medicine); DOI 10.1101/2024.04.11.24305690 (cited by Lupski Lab, Baylor-Hopkins CMG, Baylor College of Medicine); PubMed 19619314 (cited by Labcorp Genetics (formerly Invitae), Labcorp and Quest Diagnostics Nichols Institute San Juan Capistrano); PubMed 34981296 (cited by Labcorp Genetics (formerly Invitae), Labcorp); PubMed 30209399 (cited by Labcorp Genetics (formerly Invitae), Labcorp); PubMed 16403807 (cited by Ambry Genetics and Quest Diagnostics Nichols Institute San Juan Capistrano); PubMed 26295337 (cited by Quest Diagnostics Nichols Institute San Juan Capistrano).

NM_007294.4(BRCA1):c.169G>C (p.Gly57Arg)

Gene: BRCA1 (BRCA1 DNA repair associated; minus strand). Cytogenetic location: 17q21.31.
Variant type: single nucleotide variant.
Coding change: c.169G>C on transcript NM_007294.4 (MANE Select); coding-DNA position 169, G replaced by C.
Protein change: p.Gly57Arg; replaces glycine 57 with arginine.
Molecular consequence: missense variant. On other transcripts: non-coding transcript variant (1).
Genome position (GRCh38, 1-based): chr17:43,106,499, C>G on the plus strand (G>C on the coding strand, the complement: BRCA1 is on the minus strand). VCF-style: chr17-43106499-C-G. GRCh37 (hg19) VCF-style: chr17-41258516-C-G.
Other names: c.169G>C, p.Gly57Arg (NM_001407861.1, NM_001407863.1, NM_001407919.1 and 168 more transcripts); c.-20G>C (NM_001407879.1, NM_001407881.1, NM_001407882.1 and 58 more transcripts); c.28G>C, p.Gly10Arg (NM_001407920.1, NM_001407921.1, NM_001407922.1 and 99 more transcripts); short protein forms G57R, G10R.
Identifiers: ClinVar variation 252391 (VCV000252391.13), dbSNP rs879255289, ClinGen allele CA10585922.
Genomic context (GRCh38, chr17:43,106,499, plus strand): 5'-ATTACCAAATTATATACCTTTTGGTTATATCATTCTTACATAAAGGACACTGTGAAGGCC[C>G]TTTCTTCTGGTTGAGAAGTTTCAGCATGCAAAATCTATAAATTATAAAGAAAGAAAGAAC-3'
Protein context (NP_009225.1, residues 47-67): CMLKLLNQKK[Gly57Arg]PSQCPLCKND